The following is an entry in ClinVar:

NM_001130987.2(DYSF):c.1995C>A (p.Tyr665Ter)

Gene: DYSF (dysferlin; plus strand). Cytogenetic location: 2p13.2.
Variant type: single nucleotide variant.
Coding change: c.1995C>A on transcript NM_001130987.2 (MANE Select); coding-DNA position 1995, C replaced by A.
Protein change: p.Tyr665Ter; replaces tyrosine 665 with a stop codon.
Molecular consequence: nonsense.
Genome position (GRCh38, 1-based): chr2:71,553,817, C>A. VCF-style: chr2-71553817-C-A. GRCh37 (hg19) VCF-style: chr2-71780947-C-A.
Other names: c.1944C>A, p.Tyr648Ter (NM_001130455.2, NM_001130983.2); c.1899C>A, p.Tyr633Ter (NM_001130976.2, NM_001130977.2); c.1941C>A, p.Tyr647Ter (NM_001130978.2, NM_003494.4); c.2034C>A, p.Tyr678Ter (NM_001130979.2); c.1992C>A, p.Tyr664Ter (NM_001130980.2, NM_001130981.2); c.2037C>A, p.Tyr679Ter (NM_001130982.2); c.1902C>A, p.Tyr634Ter (NM_001130984.2, NM_001130986.2); c.1995C>A, p.Tyr665Ter (NM_001130985.2); short protein forms Y633*, Y634*, Y647*, Y648*, Y664*, Y665*, Y678*, Y679*.
Identifiers: ClinVar variation 1725203 (VCV001725203.3), dbSNP rs2545694520, ClinGen allele CA347218812.
Genomic context (GRCh38, chr2:71,553,817, plus strand): 5'-ACCCGCCCTCCACTCCTGGCACAGCGCTCAGGCCCGTCTCTCCATTCCAGGGTGCCACTA[C>A]TACTACCTACCCTGGGGTAACGTGAAACCTGTGGTGGTGCTGTCATCCTACTGGGAGGAC-3'

ClinVar aggregate classification (germline): Likely pathogenic (1 of 4 stars; one submission).

Conditions:
Autosomal recessive limb-girdle muscular dystrophy. Identifiers: Orphanet 102015, MedGen C2931907, MONDO:0015152.

Submission:

Myriad Genetics, Inc.
Classification: Likely pathogenic for Autosomal recessive limb-girdle muscular dystrophy. Last evaluated: 2021-12-02. Review status: criteria provided, single submitter. Criteria: Myriad Autosomal Dominant, Autosomal Recessive and X-Linked Classification Criteria (2023). Collection method: clinical testing. Allele origin: unknown.
Comment: NM_003494.3(DYSF):c.1941C>A(Y647*) is expected to be pathogenic in the context of dysferlinopathy. This variant is predicted to lead to an abnormal or absent protein product due to the creation of a premature termination codon in DYSF, a gene where loss-of-function variants are known to be pathogenic. Please note: this variant was assessed in the context of healthy population screening.